The following is an entry in ClinVar:

NM_001080467.3(MYO5B):c.1136G>A (p.Arg379His)

Gene: MYO5B (myosin VB; minus strand). Cytogenetic location: 18q21.1.
Variant type: single nucleotide variant.
Coding change: c.1136G>A on transcript NM_001080467.3 (MANE Select); coding-DNA position 1136, G replaced by A.
Protein change: p.Arg379His; replaces arginine 379 with histidine.
Molecular consequence: missense variant.
Genome position (GRCh38, 1-based): chr18:49,974,536, C>T on the plus strand (G>A on the coding strand, the complement: MYO5B is on the minus strand). VCF-style: chr18-49974536-C-T. GRCh37 (hg19) VCF-style: chr18-47500906-C-T.
Other names: c.1136G>A (NM_001080467.2); short protein forms R379H.
Identifiers: ClinVar variation 1396954 (VCV001396954.9), dbSNP rs748541233, ClinGen allele CA8961630.
Genomic context (GRCh38, chr18:49,974,536, plus strand): 5'-TTGATCACCTGCTGCAGGGACATGGTCTTGACGTAGGTCTCCGAGGTGGTGACCAGCTTG[C>T]GATGACACAGCCAGTGCTCCATCTGACTGTGCTCCACCCCTAGCAGTCGGCAGAAGTTGC-3'
Protein context (NP_001073936.1, residues 369-389): HSQMEHWLCH[Arg379His]KLVTTSETYV

ClinVar aggregate classification (germline): Uncertain significance. Review status: criteria provided, multiple submitters, no conflicts (2 of 4 stars). 2 submissions from 2 submitters: Uncertain significance (2). Last evaluated 2025-07-14.

Conditions:
Inborn genetic diseases. Identifiers: MedGen C0950123, MeSH D030342.

Allele frequency attached by ClinVar (database versions not stated): ExAC 0.00002; TOPMed 0.00002; gnomAD 0.00003; gnomAD exomes 0.00004 and 0.00005.
gnomAD v4.1: 59 of 1,614,032 alleles (0.0037%); highest among the groups gnomAD compares: Middle Eastern, 0.016%; no homozygotes.

Submissions (2):

Labcorp Genetics (formerly Invitae), Labcorp
Classification: Uncertain significance. Last evaluated: 2025-07-14. Review status: criteria provided, single submitter. Criteria: Invitae Variant Classification Sherloc (09022015). Collection method: clinical testing. Allele origin: germline.
Comment: This sequence change replaces arginine, which is basic and polar, with histidine, which is basic and polar, at codon 379 of the MYO5B protein (p.Arg379His). This variant is present in population databases (rs748541233, gnomAD 0.02%). This variant has not been reported in the literature in individuals affected with MYO5B-related conditions. ClinVar contains an entry for this variant (Variation ID: 1396954). Invitae Evidence Modeling of protein sequence and biophysical properties (such as structural, functional, and spatial information, amino acid conservation, physicochemical variation, residue mobility, and thermodynamic stability) has been performed for this missense variant. However, the output from this modeling did not meet the statistical confidence thresholds required to predict the impact of this variant on MYO5B protein function. In summary, the available evidence is currently insufficient to determine the role of this variant in disease. Therefore, it has been classified as a Variant of Uncertain Significance.

Ambry Genetics
Classification: Uncertain significance for Inborn genetic diseases. Last evaluated: 2024-09-27. Review status: criteria provided, single submitter. Criteria: Ambry Variant Classification Scheme 2023. Collection method: clinical testing. Allele origin: germline.